The following is an entry in ClinVar:

NM_002907.4(RECQL):c.911T>C (p.Ile304Thr)

Gene: RECQL (RecQ like helicase; minus strand). Cytogenetic location: 12p12.1.
Variant type: single nucleotide variant.
Coding change: c.911T>C on transcript NM_002907.4 (MANE Select); coding-DNA position 911, T replaced by C.
Protein change: p.Ile304Thr; replaces isoleucine 304 with threonine.
Molecular consequence: missense variant.
Genome position (GRCh38, 1-based): chr12:21,476,949, A>G on the plus strand (T>C on the coding strand, the complement: RECQL is on the minus strand). VCF-style: chr12-21476949-A-G. GRCh37 (hg19) VCF-style: chr12-21629883-A-G.
Other names: c.911T>C, p.Ile304Thr (NM_032941.3); short protein forms I304T.
Identifiers: ClinVar variation 1765880 (VCV001765880.5), dbSNP rs1311488948, ClinGen allele CA384122986.
Genomic context (GRCh38, chr12:21,476,949, plus strand): 5'-AGTTGGTTTGTTTTTACATTACCTGATTGCCCTTTGTATCTCCCATTAATGAGCTTTACA[A>G]TATCCTCAATAAAATCTTCAGTGTTTGAGGGCTTCTGCCGAACCTAAAAAAAACTTAACT-3'
Protein context (NP_002898.2, residues 294-314): PSNTEDFIED[Ile304Thr]VKLINGRYKG

ClinVar aggregate classification (germline): Uncertain significance. Review status: criteria provided, multiple submitters, no conflicts (2 of 4 stars). 2 submissions from 2 submitters: Uncertain significance (2). Last evaluated 2025-05-08.

Allele frequency attached by ClinVar (database versions not stated): gnomAD 0.00001; gnomAD exomes below 0.00001.
gnomAD v4.1: 5 of 1,610,280 alleles (0.00031%); highest among the groups gnomAD compares: Non-Finnish European, 0.00042%; no homozygotes.

Submissions (2):

Ambry Genetics
Classification: Uncertain significance. Last evaluated: 2025-05-08. Review status: criteria provided, single submitter. Criteria: Ambry Variant Classification Scheme 2023. Collection method: clinical testing. Allele origin: germline.
Comment: The p.I304T variant (also known as c.911T>C), located in coding exon 7 of the RECQL gene, results from a T to C substitution at nucleotide position 911. The isoleucine at codon 304 is replaced by threonine, an amino acid with similar properties. This amino acid position is not well conserved in available vertebrate species. In addition, the in silico prediction for this alteration is inconclusive. Since supporting evidence is limited at this time, the clinical significance of this alteration remains unclear.

GeneDx
Classification: Uncertain significance. Last evaluated: 2022-09-16. Review status: criteria provided, single submitter. Criteria: GeneDx Variant Classification Process June 2021. Collection method: clinical testing. Allele origin: germline. Affected: yes.
Comment: Not observed at significant frequency in large population cohorts (gnomAD); In silico analysis supports that this missense variant has a deleterious effect on protein structure/function; Has not been previously published as pathogenic or benign to our knowledge; This variant is associated with the following publications: (PMID: 27248010, 19151156)